The following is an entry in ClinVar:

ClinVar aggregate classification (germline): Pathogenic (1 of 4 stars; one submission).

Conditions:
Hereditary spastic paraplegia 47. Also called: CEREBRAL PALSY, SPASTIC QUADRIPLEGIC, 5; adaptor protein 4 (AP-4) deficiency syndrome; Spastic paraplegia 47, autosomal recessive. Identifiers: Orphanet 280763, MedGen C3279738, MONDO:0013551, OMIM 614066.

Submission:

Labcorp Genetics (formerly Invitae), Labcorp
Classification: Pathogenic for Hereditary spastic paraplegia 47. Last evaluated: 2023-05-31. Review status: criteria provided, single submitter. Criteria: Invitae Variant Classification Sherloc (09022015). Collection method: clinical testing. Allele origin: germline.
Comment: This variant is present in population databases (no rsID available, gnomAD 0.006%). This sequence change creates a premature translational stop signal (p.Leu442Cysfs*8) in the AP4B1 gene. It is expected to result in an absent or disrupted protein product. Loss-of-function variants in AP4B1 are known to be pathogenic (PMID: 22290197, 24700674, 24781758). For these reasons, this variant has been classified as Pathogenic. This variant has not been reported in the literature in individuals affected with AP4B1-related conditions.

Literature cited by the submitters: PubMed 22290197; PubMed 24700674; PubMed 24781758.

NM_001253852.3(AP4B1):c.1324_1331del (p.Leu442fs)

Genes: AP4B1 (adaptor related protein complex 4 subunit beta 1; minus strand), AP4B1-AS1 (AP4B1 antisense RNA 1; plus strand). Cytogenetic location: 1p13.2.
Variant type: Deletion.
Coding change: c.1324_1331del on transcript NM_001253852.3 (MANE Select); coding-DNA positions 1324 to 1331, 8 bases deleted (CTACTTGG; older notation c.1324_1331delCTACTTGG).
Protein change: p.Leu442fs; shifts the reading frame from leucine 442.
Molecular consequence: frameshift variant.
Genome position (GRCh38, 1-based): chr1:113,896,437-113,896,444, CCAAGTAG deleted on the plus strand (CTACTTGG on the coding strand, the reverse complement: AP4B1 is on the minus strand); deleting any 8 consecutive bases within chr1:113,896,437-113,896,448 gives the same sequence; the c. name uses the placement nearest the transcript's 3' end. VCF-style (leftmost placement, unchanged base first): chr1-113896436-ACCAAGTAG-A. GRCh37 (hg19) VCF-style: chr1-114439058-ACCAAGTAG-A.
Other names: c.1027_1034del, p.Leu343fs (NM_001253853.3); c.820_827del, p.Leu274fs (NM_001308312.2); c.1324_1331del, p.Leu442fs (NM_006594.5); short protein forms L343fs, L274fs, L442fs.
Identifiers: ClinVar variation 2752455 (VCV002752455.3), dbSNP rs1367674744, ClinGen allele CA525630125.